The following is an entry in ClinVar:

ClinVar aggregate classification (germline): Likely benign (1 of 4 stars; one submission).

Allele frequency attached by ClinVar (database versions not stated): gnomAD exomes 0.00106; gnomAD 0.00899; TOPMed 0.01024; 1000 Genomes Project 0.01038; 1000 Genomes Project 30x 0.01187.
gnomAD v4.1: 2,994 of 1,598,066 alleles (0.19%); highest among the groups gnomAD compares: African/African-American, 3%; 29 homozygotes.

Submission:

GeneDx
Classification: Likely benign. Last evaluated: 2020-03-14. Review status: criteria provided, single submitter. Criteria: GeneDx Variant Classification Process June 2021. Collection method: clinical testing. Allele origin: germline. Affected: yes.
Comment: See Variant Classification Assertion Criteria.

NM_000484.4(APP):c.1224+54G>T

Gene: APP (amyloid beta precursor protein; minus strand). Cytogenetic location: 21q21.3.
Variant type: single nucleotide variant.
Coding change: c.1224+54G>T on transcript NM_000484.4 (MANE Select); 54 bases into the intron after coding-DNA position 1224, G replaced by T.
Molecular consequence: intron variant.
Genome position (GRCh38, 1-based): chr21:25,982,290, C>A on the plus strand (G>T on the coding strand, the complement: APP is on the minus strand). VCF-style: chr21-25982290-C-A. GRCh37 (hg19) VCF-style: chr21-27354603-C-A.
Other names: c.894+54G>T (NM_001136131.3); c.831+54G>T (NM_001136129.3); c.1056+54G>T (NM_001136130.3, NM_001385253.1); c.999+54G>T (NM_001204303.2, NM_201414.3); c.1167+54G>T (NM_001204302.2, NM_201413.3); c.1224+54G>T (NM_001204301.2); c.1152+54G>T (NM_001136016.3).
Identifiers: ClinVar variation 1706668 (VCV001706668.2), dbSNP rs45560833, ClinGen allele CA14884179.
Genomic context (GRCh38, chr21:25,982,290, plus strand): 5'-CTTTACATCTTTAAAGATCTTGATAAAGCCAGCAGGCCTGTGGGGAGACTGAGGCAGAGG[C>A]AAGCTCAGGTTTCCCAATATCGTAGGGCTGAATGATGGAAGAGCCAGACTTACCTGGGAC-3'